The following is an entry in ClinVar:

ClinVar aggregate classification (germline): Uncertain significance (1 of 4 stars; one submission).

Submission:

Ambry Genetics
Classification: Uncertain significance. Last evaluated: 2025-08-06. Review status: criteria provided, single submitter. Criteria: Ambry Variant Classification Scheme 2023. Collection method: clinical testing. Allele origin: germline.
Comment: The c.1883-2A>G intronic variant results from an A to G substitution two nucleotides upstream from coding exon 10 in the ATRIP gene. This nucleotide position is highly conserved in available vertebrate species. In silico splice site analysis predicts that this alteration will weaken the native splice acceptor site and may result in the creation or strengthening of a novel splice acceptor site. The evidence for this gene-disease relationship is limited; therefore, the clinical significance of this alteration is unclear.

NM_130384.3(ATRIP):c.1883-2A>G

Genes: ATRIP (ATR interacting protein; plus strand), ATRIP-TREX1 (ATRIP-TREX1 readthrough; plus strand). Cytogenetic location: 3p21.31.
Variant type: single nucleotide variant.
Coding change: c.1883-2A>G on transcript NM_130384.3 (MANE Select); the canonical splice acceptor site of the intron before coding-DNA position 1883, A replaced by G.
Molecular consequence: splice acceptor variant.
Genome position (GRCh38, 1-based): chr3:48,464,039, A>G. VCF-style: chr3-48464039-A-G. GRCh37 (hg19) VCF-style: chr3-48505438-A-G.
Other names: c.1883-2A>G (NM_032166.4); c.1502-2A>G (NM_001271022.2); c.1604-2A>G (NM_001271023.2).
Identifiers: ClinVar variation 4181749 (VCV004181749.1).